The following is an entry in ClinVar:

ClinVar aggregate classification (germline): Uncertain significance. Review status: criteria provided, multiple submitters, no conflicts (2 of 4 stars). 3 submissions from 3 submitters: Uncertain significance (3). Last evaluated 2026-01-23.

Allele frequency attached by ClinVar (database versions not stated): gnomAD exomes 0.00001; ExAC 0.00002; gnomAD 0.00002 and 0.00003; TOPMed 0.00002.
gnomAD v4.1: 15 of 1,613,924 alleles (0.00093%); highest among the groups gnomAD compares: South Asian, 0.0044%; no homozygotes.

Submissions (3):

Dasa
Classification: Uncertain significance. Last evaluated: 2026-01-23. Review status: criteria provided, single submitter. Criteria: DASA Assertion Criteria. Collection method: clinical testing. Allele origin: germline.
Comment: NM_001292034.3(TAB2):c.1520C>T (p.Thr507Met) is a missense variant that results in the substitution of threonine with methionine. This variant is rare in population databases. The currently available literature and clinical evidence are not sufficient to establish a definitive association between this variant and the reported condition. Therefore, this variant is classified as a variant of uncertain significance.

Labcorp Genetics (formerly Invitae), Labcorp
Classification: Uncertain significance. Last evaluated: 2021-11-05. Review status: criteria provided, single submitter. Criteria: Invitae Variant Classification Sherloc (09022015). Collection method: clinical testing. Allele origin: germline.
Comment: This sequence change replaces threonine, which is neutral and polar, with methionine, which is neutral and non-polar, at codon 507 of the TAB2 protein (p.Thr507Met). This variant is present in population databases (rs766771445, gnomAD 0.007%). This variant has not been reported in the literature in individuals affected with TAB2-related conditions. Algorithms developed to predict the effect of missense changes on protein structure and function are either unavailable or do not agree on the potential impact of this missense change (SIFT: "Deleterious"; PolyPhen-2: "Benign"; Align-GVGD: "Class C15"). In summary, the available evidence is currently insufficient to determine the role of this variant in disease. Therefore, it has been classified as a Variant of Uncertain Significance.

Blueprint Genetics
Classification: Uncertain significance. Last evaluated: 2021-08-30. Review status: criteria provided, single submitter. Criteria: ACMG Guidelines, 2015. Collection method: clinical testing. Allele origin: germline.

NM_001292034.3(TAB2):c.1520C>T (p.Thr507Met)

Genes: TAB2 (TGF-beta activated kinase 1 (MAP3K7) binding protein 2; plus strand), LOC126859827 (BRD4-independent group 4 enhancer GRCh37_chr6:149699707-149700906; plus strand). Cytogenetic location: 6q25.1.
Variant type: single nucleotide variant.
Coding change: c.1520C>T on transcript NM_001292034.3 (MANE Select); coding-DNA position 1520, C replaced by T.
Protein change: p.Thr507Met; replaces threonine 507 with methionine.
Molecular consequence: missense variant.
Genome position (GRCh38, 1-based): chr6:149,379,435, C>T. VCF-style: chr6-149379435-C-T. GRCh37 (hg19) VCF-style: chr6-149700571-C-T.
Other names: c.1424C>T, p.Thr475Met (NM_001292035.3); c.1520C>T, p.Thr507Met (NM_001369506.1, NM_015093.6); short protein forms T475M, T507M.
Identifiers: ClinVar variation 1381586 (VCV001381586.9), dbSNP rs766771445, ClinGen allele CA4041556.